The following is an entry in ClinVar:

NM_144999.4(LRRC45):c.1234G>A (p.Glu412Lys)

Gene: LRRC45 (leucine rich repeat containing 45; plus strand). Cytogenetic location: 17q25.3.
Variant type: single nucleotide variant.
Coding change: c.1234G>A on transcript NM_144999.4 (MANE Select); coding-DNA position 1234, G replaced by A.
Protein change: p.Glu412Lys; replaces glutamic acid 412 with lysine.
Molecular consequence: missense variant.
Genome position (GRCh38, 1-based): chr17:82,028,505, G>A. VCF-style: chr17-82028505-G-A. GRCh37 (hg19) VCF-style: chr17-79986381-G-A.
Other names: short protein forms E412K.
Identifiers: ClinVar variation 4980999 (VCV004980999.1).

ClinVar aggregate classification (germline): Uncertain significance (1 of 4 stars; one submission).

Conditions:
LRRC45-related disorder. Also called: LRRC45-related condition.

Submission:

PreventionGenetics, part of Exact Sciences
Classification: Uncertain significance for LRRC45-related condition. Last evaluated: 2026-09-14. Review status: criteria provided, single submitter. Criteria: ACMG Guidelines, 2015. Collection method: clinical testing. Allele origin: germline.
Comment: The LRRC45 c.1234G>A variant is predicted to result in the amino acid substitution p.Glu412Lys. To our knowledge, this variant has not been reported in the literature. This variant is reported in 0.0018% of alleles in individuals of European (Non-Finnish) descent in gnomAD. At this time, the clinical significance of this variant is uncertain due to the absence of conclusive functional and genetic evidence.